The following is an entry in ClinVar:

NM_004385.5(VCAN):c.8923C>T (p.Pro2975Ser)

Genes: VCAN (versican; plus strand), VCAN-AS1 (VCAN antisense RNA 1; minus strand). Cytogenetic location: 5q14.3.
Variant type: single nucleotide variant.
Coding change: c.8923C>T on transcript NM_004385.5 (MANE Select); coding-DNA position 8923, C replaced by T.
Protein change: p.Pro2975Ser; replaces proline 2975 with serine.
Molecular consequence: missense variant. On other transcripts: intron variant (2).
Genome position (GRCh38, 1-based): chr5:83,541,926, C>T. VCF-style: chr5-83541926-C-T. GRCh37 (hg19) VCF-style: chr5-82837745-C-T.
Other names: c.5962C>T, p.Pro1988Ser (NM_001164097.2); c.4004-3611C>T (NM_001164098.2); c.1043-3611C>T (NM_001126336.3); short protein forms P1988S, P2975S.
Identifiers: ClinVar variation 2114297 (VCV002114297.4), dbSNP rs2479125422, ClinGen allele CA360294472.
Genomic context (GRCh38, chr5:83,541,926, plus strand): 5'-GAGGCTGGAACTGTTATTACAACTGCCGATGAAATTGAATTAGAAGGTGCTACACAGTGG[C>T]CACACTCTACTTCTGCTTCTGCCACCTATGGGGTCGAGGCAGGTGTGGTGCCTTGGCTAA-3'
Protein context (NP_004376.2, residues 2965-2985): EIELEGATQW[Pro2975Ser]HSTSASATYG

ClinVar aggregate classification (germline): Uncertain significance (1 of 4 stars; one submission).

Submission:

Labcorp Genetics (formerly Invitae), Labcorp
Classification: Uncertain significance. Last evaluated: 2022-03-18. Review status: criteria provided, single submitter. Criteria: Invitae Variant Classification Sherloc (09022015). Collection method: clinical testing. Allele origin: germline.
Comment: This sequence change replaces proline, which is neutral and non-polar, with serine, which is neutral and polar, at codon 2975 of the VCAN protein (p.Pro2975Ser). This variant is not present in population databases (gnomAD no frequency). This variant has not been reported in the literature in individuals affected with VCAN-related conditions. Algorithms developed to predict the effect of missense changes on protein structure and function (SIFT, PolyPhen-2, Align-GVGD) all suggest that this variant is likely to be disruptive. In summary, the available evidence is currently insufficient to determine the role of this variant in disease. Therefore, it has been classified as a Variant of Uncertain Significance.